The following is an entry in ClinVar:

NM_000551.4(VHL):c.194C>A (p.Ser65Ter)

Gene: VHL (von Hippel-Lindau tumor suppressor; plus strand). Cytogenetic location: 3p25.3.
Variant type: single nucleotide variant.
Coding change: c.194C>A on transcript NM_000551.4 (MANE Select); coding-DNA position 194, C replaced by A.
Protein change: p.Ser65Ter; replaces serine 65 with a stop codon.
Molecular consequence: nonsense.
Genome position (GRCh38, 1-based): chr3:10,142,041, C>A. VCF-style: chr3-10142041-C-A. GRCh37 (hg19) VCF-style: chr3-10183725-C-A.
Other names: c.194C>A, p.Ser65Ter (NM_001354723.2, NM_198156.3); short protein forms S65*.
Identifiers: ClinVar variation 223161 (VCV000223161.18), dbSNP rs5030826, ClinGen allele CA357085.

ClinVar aggregate classification (germline): Pathogenic. Review status: criteria provided, multiple submitters, no conflicts (2 of 4 stars). 7 submissions from 7 submitters: Pathogenic (6). 1 of the submissions does not count toward it. Last evaluated 2025-09-05.
ClinVar aggregate classification (oncogenicity): Likely oncogenic (1 of 4 stars; one submission).

Conditions:
Hereditary cancer-predisposing syndrome. Also called: Neoplastic Syndromes, Hereditary; Hereditary Cancer Syndrome; Tumor predisposition; Hereditary neoplastic syndrome. Identifiers: Orphanet 140162, MedGen C0027672, MeSH D009386, MONDO:0015356.
Von Hippel-Lindau syndrome (VHLS). Also called: Von Hippel-Lindau; VHL syndrome; von Hippel–Lindau syndrome. Identifiers: Orphanet 892, MedGen C0019562, MONDO:0008667, OMIM 193300. Disease mechanism: loss of function.
Chuvash polycythemia. Also called: POLYCYTHEMIA, VHL-DEPENDENT. Identifiers: Orphanet 238557, MedGen C1837915, MONDO:0009892, OMIM 263400.
Neoplasm. Also called: Neoplasms; Neoplasm (disease); tumor. Identifiers: MedGen C0027651, MeSH D009369, MONDO:0005070, HP:0002664.

Submissions (9):

Center for Genomic Medicine, Rigshospitalet, Copenhagen University Hospital
Classification: Likely oncogenic for Neoplasm. Last evaluated: 2026-10-16. Review status: criteria provided, single submitter. Criteria: ClinGen/CGC/VICC Guidelines for Oncogenicity, 2022. Collection method: clinical testing. Allele origin: somatic. Affected: yes.

Ambry Genetics
Classification: Pathogenic for Hereditary cancer-predisposing syndrome. Last evaluated: 2025-09-05. Review status: criteria provided, single submitter. Criteria: Ambry Variant Classification Scheme 2023. Collection method: clinical testing. Allele origin: germline.
Comment: The p.S65* pathogenic mutation (also known as c.194C>A), located in coding exon 1 of the VHL gene, results from a C to A substitution at nucleotide position 194. This changes the amino acid from a serine to a stop codon within coding exon 1. This variant, also described as c.407C>A, was reported in individual(s) with features consistent with von Hipple-Lindau syndrome (Whaley JM et al. Am J Hum Genet,.1994 Dec;55:1092-102; Zbar B et al. Hum Mutat. 1996;8:348-57; Stolle C et al. Hum Mutat. 1998;12:417-23; Gl&auml;sker S et al. J Neurol Neurosurg Psychiatry. 1999 Dec;67:758-62; Ambry internal data). This variant was determined to be functionally deleterious in one saturation genome editing assay (Buckley M et al. Nat Genet, 2024 Jul;56:1446-1455). This variant is considered to be rare based on population cohorts in the Genome Aggregation Database (gnomAD). This alteration is expected to result in loss of function by premature protein truncation or nonsense-mediated mRNA decay. As such, this alteration is interpreted as a disease-causing mutation.

Institute for Genomic Medicine (IGM) Clinical Laboratory, Nationwide Children's Hospital
Classification: Pathogenic for Von Hippel-Lindau syndrome. Last evaluated: 2025-08-25. Review status: criteria provided, single submitter. Criteria: ACMG Guidelines, 2015. Collection method: clinical testing. Allele origin: germline.
Comment: This variant is predicted to result in loss of function through nonsense-mediated decay of the encoded transcript or premature truncation of the encoded protein in a gene in which loss of function is a known mechanism of disease (ACMG/AMP: PVS1; PMID:20151405). This variant has been reported at an elevated frequency in affected individuals/in multiple affected individuals in the literature (ACMG/AMP: PS4; PMIDs:7977367, 9829911, 10567493, 11409863). This variant is absent from or present at an exceedingly low frequency in gnomAD, a large-scale control population database (ACMG/AMP: PM2).

Laboratory of Molecular and Cytogenetics, Department of Anatomy, All India Institute of Medical Sciences (AIIMS)
Classification: Pathogenic for Von Hippel-Lindau syndrome. Last evaluated: 2023-05-21. Review status: criteria provided, single submitter. Criteria: ACMG Guidelines, 2015. Collection method: clinical testing. Allele origin: germline. Affected: yes. Observed: 1 variant allele.

Women's Health and Genetics/Laboratory Corporation of America, LabCorp
Classification: Pathogenic for Chuvash polycythemia. Last evaluated: 2022-12-15. Review status: criteria provided, single submitter. Criteria: LabCorp Variant Classification Summary - May 2015. Collection method: clinical testing. Allele origin: germline.
Comment: Variant summary: VHL c.194C>A (p.Ser65X) results in a premature termination codon, predicted to cause a truncation of the encoded protein or absence of the protein due to nonsense mediated decay, which are commonly known mechanisms for disease. Truncations downstream of this position have been classified as pathogenic by our laboratory. The variant was absent in 221788 control chromosomes (gnomAD). c.194C>A (also known as c.407C>A) has been reported in the literature in individuals affected with Von Hippel-Lindau Syndrome (e.g. Whaley_1994, Zbar_1996, Stolle_1998, Glasker_1999, Klein_2001). These data indicate that the variant is likely to be associated with disease. To our knowledge, no experimental evidence demonstrating an impact on protein function has been reported. Two ClinVar submitters have assessed the variant since 2014: both classified the variant as pathogenic. Based on the evidence outlined above, the variant was classified as pathogenic.

GeneDx
Classification: Pathogenic. Last evaluated: 2022-12-05. Review status: criteria provided, single submitter. Criteria: GeneDx Variant Classification Process June 2021. Collection method: clinical testing. Allele origin: germline. Affected: yes.
Comment: Nonsense variant predicted to result in protein truncation or nonsense mediated decay in a gene for which loss of function is a known mechanism of disease; Not observed at significant frequency in large population cohorts (gnomAD); Also known as c.407C>A, p.(S136*) and p.(S106*); This variant is associated with the following publications: (PMID: 10408776, 7977367, 35205407, 28379443, 9829911)

Labcorp Genetics (formerly Invitae), Labcorp
Classification: Pathogenic for Von Hippel-Lindau syndrome; Chuvash polycythemia. Last evaluated: 2019-09-23. Review status: criteria provided, single submitter. Criteria: Invitae Variant Classification Sherloc (09022015). Collection method: clinical testing. Allele origin: germline.
Comment: This variant has been observed in families affected with von Hippel-Lindau disease (PMID: 7977367). This variant is also known as 407T>C in the literature. ClinVar contains an entry for this variant (Variation ID: 223161). For these reasons, this variant has been classified as Pathogenic. Loss-of-function variants in VHL are known to be pathogenic (PMID: 8956040, 12202531). Algorithms developed to predict the effect of sequence changes on RNA splicing suggest that this variant may create or strengthen a splice site, but this prediction has not been confirmed by published transcriptional studies. This variant is not present in population databases (ExAC no frequency). This sequence change creates a premature translational stop signal (p.Ser65*) in the VHL gene. It is expected to result in an absent or disrupted protein product.

Genomic Diagnostic Laboratory, Division of Genomic Diagnostics, Children's Hospital of Philadelphia
Classification: Pathogenic for Von Hippel-Lindau syndrome. Last evaluated: 2016-02-26. Review status: no assertion criteria provided. Collection method: clinical testing. Allele origin: germline. Affected: yes. Observed: 2 variant alleles. Not counted in ClinVar's aggregate classification.

Dr. Peter K. Rogan Lab, Western University
No classification provided (evidence only). Condition: Clear cell carcinoma of kidney. Review status: no classification provided. Collection method: in vitro. Allele origin: not applicable. Functional consequence: retained intron. Not counted in ClinVar's aggregate classification.

Literature cited by the submitters: PubMed 10567493 (cited by 3 submitters); PubMed 38969834 (cited by Ambry Genetics); PubMed 7977367 (cited by 4 submitters); PubMed 8956040 (cited by 3 submitters); PubMed 9829911 (cited by 3 submitters); PubMed 20151405 (cited by Institute for Genomic Medicine (IGM) Clinical Laboratory, Nationwide Children's Hospital); PubMed 11409863 (cited by Institute for Genomic Medicine (IGM) Clinical Laboratory, Nationwide Children's Hospital and Women's Health and Genetics/Laboratory Corporation of America, LabCorp); PubMed 22156657 (cited by Women's Health and Genetics/Laboratory Corporation of America, LabCorp); PubMed 12202531 (cited by Labcorp Genetics (formerly Invitae), Labcorp).